The following is an entry in ClinVar:

NM_000246.4(CIITA):c.1175_1188del (p.Leu392fs)

Gene: CIITA (class II major histocompatibility complex transactivator; plus strand). Cytogenetic location: 16p13.13.
Variant type: Deletion.
Coding change: c.1175_1188del on transcript NM_000246.4 (MANE Select); coding-DNA positions 1175 to 1188, 14 bases deleted (TGGCCCAAGGAGGC).
Protein change: p.Leu392fs; shifts the reading frame from leucine 392.
Molecular consequence: frameshift variant. On other transcripts: intron variant (1).
Genome position (GRCh38, 1-based): chr16:10,906,667-10,906,680, TGGCCCAAGGAGGC deleted; deleting any 14 consecutive bases within chr16:10,906,665-10,906,680 gives the same sequence; the c. name uses the placement nearest the transcript's 3' end. VCF-style (leftmost placement, unchanged base first): chr16-10906664-AGCTGGCCCAAGGAG-A. GRCh37 (hg19) VCF-style: chr16-11000521-AGCTGGCCCAAGGAG-A.
Other names: c.1178_1191del, p.Leu393fs (NM_001379332.1, NM_001286402.1); c.1175_1188del, p.Leu392fs (NM_001379333.1); c.1106_1119del, p.Leu369fs (NM_001379334.1); c.859+1855_859+1868del (NM_001286403.2); c.1175_1188delTGGCCCAAGGAGGC, p.Leu392Profs (NM_000246.3); c.1031_1044del, p.Leu344fs (NM_001379330.1); c.1028_1041del, p.Leu343fs (NM_001379331.1); short protein forms L343fs, L344fs, L369fs, L392fs, L393fs.
Identifiers: ClinVar variation 4064731 (VCV004064731.2).

ClinVar aggregate classification (germline): Likely pathogenic (1 of 4 stars; one submission).

Conditions:
MHC class II deficiency. Also called: BLS, TYPE II; Bare lymphocyte syndrome 2. Identifiers: Orphanet 572, MedGen C5447452, MONDO:0008855.

Submission:

Natera, Inc.
Classification: Likely pathogenic for Bare lymphocyte syndrome type II. Last evaluated: 2025-05-21. Review status: criteria provided, single submitter. Criteria: Natera Variant Classification Schema (03/2026). Collection method: clinical testing. Allele origin: germline.
Comment: The c.1175_1188del variant in CIITA is a frameshift variant predicted to shift the reading frame beginning at codon 392 and leads to a stop codon 3 codons downstream. This variant is expected to result in nonsense mediated decay, truncation, or a dysfunctional protein product. This variant is rare in the general population with a frequency below the threshold expected for the associated phenotype(s). Given the available evidence, this variant is classified as Likely Pathogenic.